The following is an entry in ClinVar:

ClinVar aggregate classification (germline): Likely benign (1 of 4 stars; one submission).

Submission:

GeneDx
Classification: Likely benign. Last evaluated: 2018-03-12. Review status: criteria provided, single submitter. Criteria: GeneDx Variant Classification (06012015). Collection method: clinical testing. Allele origin: germline. Affected: yes.
Comment: This variant is considered likely benign or benign based on one or more of the following criteria: it is a conservative change, it occurs at a poorly conserved position in the protein, it is predicted to be benign by multiple in silico algorithms, and/or has population frequency not consistent with disease.

NM_017739.4(POMGNT1):c.-85AGCGGGGCCCG[3]

Gene: POMGNT1 (protein O-linked mannose N-acetylglucosaminyltransferase 1 (beta 1,2-); minus strand). Cytogenetic location: 1p34.1.
Variant type: Microsatellite.
Coding change: c.-85AGCGGGGCCCG[3] on transcript NM_017739.4 (MANE Select); three copies in a row of the 11-base unit AGCGGGGCCCG starting at c.-85; the reference has two copies in a row; one copy, 11 bases duplicated.
Molecular consequence: 5 prime UTR variant. On other transcripts: intron variant (1).
Genome position (GRCh38, 1-based): chr1:46,198,349-46,198,359, CGGGCCCCGCT duplicated on the plus strand (AGCGGGGCCCG on the coding strand, the reverse complement: POMGNT1 is on the minus strand); duplicating any 11 consecutive bases within chr1:46,198,349-46,198,370 gives the same sequence; the position shown is the placement nearest the transcript's 3' end. VCF-style (leftmost placement, unchanged base first): chr1-46198348-C-CCGGGCCCCGCT. GRCh37 (hg19) VCF-style: chr1-46664020-C-CCGGGCCCCGCT.
Other names: c.-50-499AGCGGGGCCCG[3] (NM_001243766.2).
Identifiers: ClinVar variation 515966 (VCV000515966.1), dbSNP rs1252094599, ClinGen allele CA522582706.